The following is an entry in ClinVar:

ClinVar aggregate classification (germline): Uncertain significance (1 of 4 stars; one submission).

Conditions:
Inborn genetic diseases. Identifiers: MedGen C0950123, MeSH D030342.

gnomAD v4.1: 2 of 1,613,678 alleles (0.00012%); highest among the groups gnomAD compares: Non-Finnish European, 0.00017%; no homozygotes.

Submission:

Ambry Genetics
Classification: Uncertain significance for Inborn genetic diseases. Last evaluated: 2025-05-07. Review status: criteria provided, single submitter. Criteria: Ambry Variant Classification Scheme 2023. Collection method: clinical testing. Allele origin: germline.
Comment: The p.A1486T variant (also known as c.4456G>A), located in coding exon 30 of the ANKRD26 gene, results from a G to A substitution at nucleotide position 4456. The alanine at codon 1486 is replaced by threonine, an amino acid with similar properties. This amino acid position is conserved. In addition, this alteration is predicted to be tolerated by in silico analysis. Based on the available evidence, the clinical significance of this variant remains unclear.

NM_014915.3(ANKRD26):c.4456G>A (p.Ala1486Thr)

Gene: ANKRD26 (ankyrin repeat domain containing 26; minus strand). Cytogenetic location: 10p12.1.
Variant type: single nucleotide variant.
Coding change: c.4456G>A on transcript NM_014915.3 (MANE Select); coding-DNA position 4456, G replaced by A.
Protein change: p.Ala1486Thr; replaces alanine 1486 with threonine.
Molecular consequence: missense variant.
Genome position (GRCh38, 1-based): chr10:27,017,552, C>T on the plus strand (G>A on the coding strand, the complement: ANKRD26 is on the minus strand). VCF-style: chr10-27017552-C-T. GRCh37 (hg19) VCF-style: chr10-27306481-C-T.
Other names: c.4453G>A, p.Ala1485Thr (NM_001256053.2); short protein forms A1485T, A1486T.
Identifiers: ClinVar variation 3912755 (VCV003912755.1).
Genomic context (GRCh38, chr10:27,017,552, plus strand): 5'-ATAAGCTAACCTGTAAAAATAGATTGACTTCTTTTAATTTTTCTGCTATTTCCTGTCTTG[C>T]TCTTTCTTCAATCTCCTGTTTATACTGTTTGACTTGACCAAGTTCTACCATATTCCTTTC-3'
Protein context (NP_055730.2, residues 1476-1496): KQYKQEIEER[Ala1486Thr]RQEIAEKLKE